The following is an entry in ClinVar:

NM_012431.3(SEMA3E):c.1970T>C (p.Val657Ala)

Gene: SEMA3E (semaphorin 3E; minus strand). Cytogenetic location: 7q21.11.
Variant type: single nucleotide variant.
Coding change: c.1970T>C on transcript NM_012431.3 (MANE Select); coding-DNA position 1970, T replaced by C.
Protein change: p.Val657Ala; replaces valine 657 with alanine.
Molecular consequence: missense variant.
Genome position (GRCh38, 1-based): chr7:83,367,944, A>G on the plus strand (T>C on the coding strand, the complement: SEMA3E is on the minus strand). VCF-style: chr7-83367944-A-G. GRCh37 (hg19) VCF-style: chr7-82997260-A-G.
Other names: c.1790T>C, p.Val597Ala (NM_001178129.2); short protein forms V657A, V597A.
Identifiers: ClinVar variation 2766085 (VCV002766085.3), dbSNP rs1794697339, ClinGen allele CA367914349.

ClinVar aggregate classification (germline): Uncertain significance (1 of 4 stars; one submission).

Conditions:
CHARGE syndrome (CHARGE). Also called: Hittner Hirsch Kreh syndrome; CHARGE ASSOCIATION--COLOBOMA, HEART ANOMALY, CHOANAL ATRESIA, RETARDATION, GENITAL AND EAR ANOMALIES; Coloboma, heart anomaly, choanal atresia, retardation, genital and ear anomalies; CHARGE association; Hall-Hittner syndrome. Identifiers: Orphanet 138, MedGen C0265354, MONDO:0008965.

Submission:

Labcorp Genetics (formerly Invitae), Labcorp
Classification: Uncertain significance for CHARGE syndrome. Last evaluated: 2023-10-05. Review status: criteria provided, single submitter. Criteria: Invitae Variant Classification Sherloc (09022015). Collection method: clinical testing. Allele origin: germline.
Comment: This sequence change replaces valine, which is neutral and non-polar, with alanine, which is neutral and non-polar, at codon 657 of the SEMA3E protein (p.Val657Ala). This variant is not present in population databases (gnomAD no frequency). This variant has not been reported in the literature in individuals affected with SEMA3E-related conditions. Advanced modeling of protein sequence and biophysical properties (such as structural, functional, and spatial information, amino acid conservation, physicochemical variation, residue mobility, and thermodynamic stability) performed at Invitae indicates that this missense variant is not expected to disrupt SEMA3E protein function. In summary, the available evidence is currently insufficient to determine the role of this variant in disease. Therefore, it has been classified as a Variant of Uncertain Significance.